The following is an entry in ClinVar:

NM_003235.5(TG):c.85C>T (p.Gln29Ter)

Gene: TG (thyroglobulin; plus strand). Cytogenetic location: 8q24.22.
Variant type: single nucleotide variant.
Coding change: c.85C>T on transcript NM_003235.5 (MANE Select); coding-DNA position 85, C replaced by T.
Protein change: p.Gln29Ter; replaces glutamine 29 with a stop codon.
Molecular consequence: nonsense.
Genome position (GRCh38, 1-based): chr8:132,868,132, C>T. VCF-style: chr8-132868132-C-T. GRCh37 (hg19) VCF-style: chr8-133880377-C-T.
Other names: short protein forms Q29*.
Identifiers: ClinVar variation 452123 (VCV000452123.6), dbSNP rs1554648860, ClinGen allele CA372244650.
Genomic context (GRCh38, chr8:132,868,132, plus strand): 5'-CCAGTCCACACTCTTCTTTGATGAACCACTTTTCTTTTCCTAGAGTACCAGGTGGATGCC[C>T]AGCCCCTTCGTCCCTGTGAGCTGCAGAGGGAAACGGCCTTTCTGAAGCAAGCAGACTACG-3'

ClinVar aggregate classification (germline): Pathogenic/Likely pathogenic. Review status: criteria provided, multiple submitters, no conflicts (2 of 4 stars). 2 submissions from 2 submitters: Pathogenic (1); Likely pathogenic (1). Last evaluated 2023-11-30.

Allele frequency attached by ClinVar (database versions not stated): gnomAD exomes below 0.00001; TOPMed below 0.00001; gnomAD 0.00001.

Submissions (2):

Labcorp Genetics (formerly Invitae), Labcorp
Classification: Pathogenic. Last evaluated: 2023-11-30. Review status: criteria provided, single submitter. Criteria: Invitae Variant Classification Sherloc (09022015). Collection method: clinical testing. Allele origin: germline.
Comment: This sequence change creates a premature translational stop signal (p.Gln29*) in the TG gene. It is expected to result in an absent or disrupted protein product. Loss-of-function variants in TG are known to be pathogenic (PMID: 19837936, 23164529). This variant is not present in population databases (gnomAD no frequency). This premature translational stop signal has been observed in individual(s) with TG-related conditions (PMID: 36012511). ClinVar contains an entry for this variant (Variation ID: 452123). For these reasons, this variant has been classified as Pathogenic.

GeneDx
Classification: Likely pathogenic. Last evaluated: 2019-12-06. Review status: criteria provided, single submitter. Criteria: GeneDx Variant Classification Process June 2021. Collection method: clinical testing. Allele origin: germline. Affected: yes.
Comment: Nonsense variant predicted to result in protein truncation or nonsense mediated decay in a gene for which loss-of-function is a known mechanism of disease; Not observed in large population cohorts (Lek et al., 2016); Has not been previously published as pathogenic or benign to our knowledge

Literature cited by the submitters: PubMed 19837936 (cited by Labcorp Genetics (formerly Invitae), Labcorp); PubMed 23164529 (cited by Labcorp Genetics (formerly Invitae), Labcorp); PubMed 36012511 (cited by Labcorp Genetics (formerly Invitae), Labcorp).